The following is an entry in ClinVar:

NM_024120.5(NDUFAF5):c.778+1G>A

Gene: NDUFAF5 (NADH:ubiquinone oxidoreductase complex assembly factor 5; plus strand). Cytogenetic location: 20p12.1.
Variant type: single nucleotide variant.
Coding change: c.778+1G>A on transcript NM_024120.5 (MANE Select); the canonical splice donor site of the intron after coding-DNA position 778, G replaced by A.
Molecular consequence: splice donor variant.
Genome position (GRCh38, 1-based): chr20:13,808,903, G>A. VCF-style: chr20-13808903-G-A. GRCh37 (hg19) VCF-style: chr20-13789549-G-A.
Other names: c.217+1G>A (NM_001352407.2, NM_001352406.2); c.694+1G>A (NM_001039375.3); c.307+1G>A (NM_001352403.2).
Identifiers: ClinVar variation 3642910 (VCV003642910.3).
Genomic context (GRCh38, chr20:13,808,903, plus strand): 5'-ACACTGATGAAATTCAAGTTAACTATCCTGGAATGTTTGAATTGATGGAAGATTTACAAG[G>A]TAAGGCACTTTAAAGAATTTTTAGACTCCATTGGGAAAGGTAGGCCAAAAAAAAAGAATT-3'

ClinVar aggregate classification (germline): Likely pathogenic (1 of 4 stars; one submission).

gnomAD v4.1: 2 of 1,595,988 alleles (0.00013%); highest among the groups gnomAD compares: Non-Finnish European, 0.00017%; no homozygotes.

Submissions (2):

Labcorp Genetics (formerly Invitae), Labcorp
Classification: Likely pathogenic. Last evaluated: 2024-10-21. Review status: criteria provided, single submitter. Criteria: Invitae Variant Classification Sherloc (09022015). Collection method: clinical testing. Allele origin: germline.
Comment: This sequence change affects a donor splice site in intron 8 of the NDUFAF5 gene. It is expected to disrupt RNA splicing. Variants that disrupt the donor or acceptor splice site typically lead to a loss of protein function (PMID: 16199547), and loss-of-function variants in NDUFAF5 are known to be pathogenic (PMID: 26275793, 30473481, 32918965). This variant is not present in population databases (gnomAD no frequency). This variant has not been reported in the literature in individuals affected with NDUFAF5-related conditions. Algorithms developed to predict the effect of sequence changes on RNA splicing suggest that this variant may disrupt the consensus splice site. In summary, the currently available evidence indicates that the variant is pathogenic, but additional data are needed to prove that conclusively. Therefore, this variant has been classified as Likely Pathogenic.

Dr. Peter K. Rogan Lab, Western University
No classification provided (evidence only). Condition: Ovarian serous cystadenocarcinoma. Review status: no classification provided. Collection method: in vitro. Allele origin: not applicable. Functional consequence: retained intron. Not counted in ClinVar's aggregate classification.

Literature cited by the submitters: PubMed 16199547 (cited by Labcorp Genetics (formerly Invitae), Labcorp); PubMed 26275793 (cited by Labcorp Genetics (formerly Invitae), Labcorp); PubMed 30473481 (cited by Labcorp Genetics (formerly Invitae), Labcorp); PubMed 32918965 (cited by Labcorp Genetics (formerly Invitae), Labcorp).